The following is an entry in ClinVar:

NM_032866.5(CGNL1):c.111A>G (p.Ala37=)

Gene: CGNL1 (cingulin like 1; plus strand). Cytogenetic location: 15q21.3.
Variant type: single nucleotide variant.
Coding change: c.111A>G on transcript NM_032866.5 (MANE Select); coding-DNA position 111, A replaced by G.
Protein change: p.Ala37=; no amino-acid change (alanine 37 retained).
Molecular consequence: synonymous variant.
Genome position (GRCh38, 1-based): chr15:57,438,110, A>G. VCF-style: chr15-57438110-A-G. GRCh37 (hg19) VCF-style: chr15-57730308-A-G.
Other names: c.111A>G, p.Ala37= (NM_001252335.2).
Identifiers: ClinVar variation 3057730 (VCV003057730.2), dbSNP rs566024340, ClinGen allele CA7581475.

ClinVar aggregate classification (germline): Likely benign (0 of 4 stars; one submission).

Conditions:
CGNL1-related disorder. Also called: CGNL1-related condition.

Allele frequency attached by ClinVar (database versions not stated): TOPMed 0.00002; gnomAD 0.00017; 1000 Genomes Project 0.00040; 1000 Genomes Project 30x 0.00047.
gnomAD v4.1: 431 of 1,614,176 alleles (0.027%); highest among the groups gnomAD compares: South Asian, 0.46%; 4 homozygotes.

Submission:

PreventionGenetics, part of Exact Sciences
Classification: Likely benign for CGNL1-related condition. Last evaluated: 2019-04-19. Review status: no assertion criteria provided. Collection method: clinical testing. Allele origin: germline.
Comment: This variant is classified as likely benign based on ACMG/AMP sequence variant interpretation guidelines (Richards et al. 2015 PMID: 25741868, with internal and published modifications).